The following is an entry in ClinVar:

ClinVar aggregate classification (germline): Uncertain significance (1 of 4 stars; one submission).

Conditions:
Warburg micro syndrome 2 (WARBM2). Also called: MICRO SYNDROME 2. Identifiers: Orphanet 2510, MedGen C3280214, MONDO:0013641, OMIM 614225.
Martsolf syndrome (MARTS). Also called: Congenital cataract with intellectual disability and hypogonadotropic hypogonadism syndrome. Identifiers: Orphanet 1387, MedGen C0796037, MONDO:0023910.

Submission:

Labcorp Genetics (formerly Invitae), Labcorp
Classification: Uncertain significance for Martsolf syndrome; Warburg micro syndrome 2. Last evaluated: 2017-01-17. Review status: criteria provided, single submitter. Criteria: Invitae Variant Classification Sherloc (09022015). Collection method: clinical testing. Allele origin: germline.
Comment: Algorithms developed to predict the effect of missense changes on protein structure and function (SIFT, PolyPhen-2, Align-GVGD) all suggest that this variant is likely to be tolerated, but these predictions have not been confirmed by published functional studies. In summary, this variant is a novel missense change that is not predicted to affect protein function. There is no indication that it causes disease, but the available evidence is currently insufficient to prove that conclusively. Therefore, it has been classified as a Variant of Uncertain Significance. This variant is not present in population databases (ExAC no frequency) and has not been reported in the literature in individuals with a RAB3GAP2-related disease. This sequence change replaces isoleucine with threonine at codon 504 of the RAB3GAP2 protein (p.Ile504Thr). The isoleucine residue is moderately conserved and there is a moderate physicochemical difference between isoleucine and threonine.

NM_012414.4(RAB3GAP2):c.1511T>C (p.Ile504Thr)

Gene: RAB3GAP2 (RAB3 GTPase activating non-catalytic protein subunit 2; minus strand). Cytogenetic location: 1q41.
Variant type: single nucleotide variant.
Coding change: c.1511T>C on transcript NM_012414.4 (MANE Select); coding-DNA position 1511, T replaced by C.
Protein change: p.Ile504Thr; replaces isoleucine 504 with threonine.
Molecular consequence: missense variant.
Genome position (GRCh38, 1-based): chr1:220,190,497, A>G on the plus strand (T>C on the coding strand, the complement: RAB3GAP2 is on the minus strand). VCF-style: chr1-220190497-A-G. GRCh37 (hg19) VCF-style: chr1-220363839-A-G.
Other names: short protein forms I504T.
Identifiers: ClinVar variation 463027 (VCV000463027.8), dbSNP rs1553276414, ClinGen allele CA344645242.